The following is an entry in ClinVar:

NM_004104.5(FASN):c.2900G>A (p.Arg967Lys)

Gene: FASN (fatty acid synthase; minus strand). Cytogenetic location: 17q25.3.
Variant type: single nucleotide variant.
Coding change: c.2900G>A on transcript NM_004104.5 (MANE Select); coding-DNA position 2900, G replaced by A.
Protein change: p.Arg967Lys; replaces arginine 967 with lysine.
Molecular consequence: missense variant.
Genome position (GRCh38, 1-based): chr17:82,087,828, C>T on the plus strand (G>A on the coding strand, the complement: FASN is on the minus strand). VCF-style: chr17-82087828-C-T. GRCh37 (hg19) VCF-style: chr17-80045704-C-T.
Other names: c.2900G>A (NM_004104.4); short protein forms R967K.
Identifiers: ClinVar variation 3609866 (VCV003609866.3).

ClinVar aggregate classification (germline): Conflicting classifications of pathogenicity. Review status: criteria provided, conflicting classifications (1 of 4 stars). 2 submissions from 2 submitters: Uncertain significance (1); Likely benign (1). Last evaluated 2025-06-17.

Conditions:
Epileptic encephalopathy. Identifiers: MedGen C0543888, HP:0200134.

gnomAD v4.1: 9 of 1,612,532 alleles (0.00056%); highest among the groups gnomAD compares: Admixed American, 0.0083%; no homozygotes.

Submissions (2):

Ambry Genetics
Classification: Likely benign. Last evaluated: 2025-06-17. Review status: criteria provided, single submitter. Criteria: Ambry Variant Classification Scheme 2023. Collection method: clinical testing. Allele origin: germline.

Labcorp Genetics (formerly Invitae), Labcorp
Classification: Uncertain significance for Epileptic encephalopathy. Last evaluated: 2025-06-09. Review status: criteria provided, single submitter. Criteria: Invitae Variant Classification Sherloc (09022015). Collection method: clinical testing. Allele origin: germline.
Comment: This sequence change replaces arginine, which is basic and polar, with lysine, which is basic and polar, at codon 967 of the FASN protein (p.Arg967Lys). This variant is present in population databases (rs755349932, gnomAD 0.01%). This variant has not been reported in the literature in individuals affected with FASN-related conditions. ClinVar contains an entry for this variant (Variation ID: 3609866). An algorithm developed to predict the effect of missense changes on protein structure and function outputs the following: PolyPhen-2: "Benign". The lysine amino acid residue is found in multiple mammalian species, which suggests that this missense change does not adversely affect protein function. In summary, the available evidence is currently insufficient to determine the role of this variant in disease. Therefore, it has been classified as a Variant of Uncertain Significance.